The following is an entry in ClinVar:

NM_001754.5(RUNX1):c.251A>G (p.Asp84Gly)

Gene: RUNX1 (RUNX family transcription factor 1; minus strand). Cytogenetic location: 21q22.12.
Variant type: single nucleotide variant.
Coding change: c.251A>G on transcript NM_001754.5 (MANE Select); coding-DNA position 251, A replaced by G.
Protein change: p.Asp84Gly; replaces aspartic acid 84 with glycine.
Molecular consequence: missense variant.
Genome position (GRCh38, 1-based): chr21:34,886,943, T>C on the plus strand (A>G on the coding strand, the complement: RUNX1 is on the minus strand). VCF-style: chr21-34886943-T-C. GRCh37 (hg19) VCF-style: chr21-36259240-T-C.
Other names: NM_001754.5(RUNX1):c.251A>G; p.Asp84Gly; c.170A>G, p.Asp57Gly (NM_001001890.3, NM_001122607.2); short protein forms D57G, D84G.
Identifiers: ClinVar variation 1722136 (VCV001722136.6), dbSNP rs2146410608, ClinGen allele CA410203802.

ClinVar aggregate classification (germline): Uncertain significance. Review status: reviewed by expert panel (3 of 4 stars). 2 submissions from 2 submitters: Uncertain significance (1). 1 of the submissions does not count toward it. Last evaluated 2024-07-11.

Conditions:
Hereditary thrombocytopenia and hematologic cancer predisposition syndrome. Identifiers: Orphanet 71290, MedGen CN281654, MONDO:0011071.
Hereditary thrombocytopenia and hematological cancer predisposition syndrome associated with RUNX1. Also called: PLATELET DISORDER, ASPIRIN-LIKE; RUNX1 Familial Platelet Disorder with Associated Myeloid Malignancies; Familial Platelet Disorder with Propensity to Acute Myelogenous Leukemia; Familial thrombocytopenia with propensity to acute myelogenous leukemia. Identifiers: Orphanet 71290, MedGen C1832388, MeSH C563324, MONDO:0100083, OMIM 601399.

Submissions (2):

ClinGen Myeloid Malignancy Variant Curation Expert Panel
Classification: Uncertain significance for Hereditary thrombocytopenia and hematologic cancer predisposition syndrome. Last evaluated: 2024-07-11. Review status: reviewed by expert panel. Criteria: ClinGen MyeloMalig ACMG Specifications v2. Collection method: curation. Allele origin: germline. Inheritance: Autosomal dominant inheritance.
Comment: NM_001754.5(RUNX1): c.251A>G (p.Asp84Gly) is a missense variant which is completely absent from all population databases with at least 20x coverage for RUNX1 (PM2_Supporting). In summary, the clinical significance of this variant is uncertain. ACMG/AMP criteria applied, as specified by the Myeloid Malignancy Variant Curation Expert Panel for RUNX1: PM2_supporting.

Labcorp Genetics (formerly Invitae), Labcorp
Classification: Uncertain significance for Hereditary thrombocytopenia and hematological cancer predisposition syndrome associated with RUNX1. Last evaluated: 2022-10-25. Review status: criteria provided, single submitter. Criteria: Invitae Variant Classification Sherloc (09022015). Collection method: clinical testing. Allele origin: germline. Not counted in ClinVar's aggregate classification.
Comment: This sequence change replaces aspartic acid, which is acidic and polar, with glycine, which is neutral and non-polar, at codon 84 of the RUNX1 protein (p.Asp84Gly). This variant is not present in population databases (gnomAD no frequency). This variant has not been reported in the literature in individuals affected with RUNX1-related conditions. Advanced modeling of protein sequence and biophysical properties (such as structural, functional, and spatial information, amino acid conservation, physicochemical variation, residue mobility, and thermodynamic stability) has been performed at Invitae for this missense variant, however the output from this modeling did not meet the statistical confidence thresholds required to predict the impact of this variant on RUNX1 protein function. In summary, the available evidence is currently insufficient to determine the role of this variant in disease. Therefore, it has been classified as a Variant of Uncertain Significance.